The following is an entry in ClinVar:

ClinVar aggregate classification (germline): Conflicting classifications of pathogenicity. Review status: criteria provided, conflicting classifications (1 of 4 stars). 4 submissions from 4 submitters: Uncertain significance (2); Benign (1); Likely benign (1). Last evaluated 2026-01-12.

Conditions:
Bethlem myopathy 1A. Also called: Bethlem myopathy 1; MYOPATHY, BENIGN CONGENITAL, WITH CONTRACTURES; Bethlem Muscular Dystrophy. Identifiers: Orphanet 610, MedGen CN029274, MONDO:0024530, OMIM 158810.
Collagen 6-related myopathy. Identifiers: MedGen CN117976, MONDO:0100225.

Allele frequency attached by ClinVar (database versions not stated): TOPMed 0.00002; gnomAD 0.00005 and 0.00006; gnomAD exomes 0.00010 and 0.00011; ESP Exome Variant Server 0.00015; ExAC 0.00016.
gnomAD v4.1: 154 of 1,613,358 alleles (0.0095%); highest among the groups gnomAD compares: Non-Finnish European, 0.012%; 1 homozygote.

Submissions (4):

Labcorp Genetics (formerly Invitae), Labcorp
Classification: Likely benign for Bethlem myopathy 1A. Last evaluated: 2026-01-12. Review status: criteria provided, single submitter. Criteria: Invitae Variant Classification Sherloc (09022015). Collection method: clinical testing. Allele origin: germline.

Revvity Omics, Revvity
Classification: Uncertain significance. Last evaluated: 2023-05-24. Review status: criteria provided, single submitter. Criteria: ACMG Guidelines, 2015. Collection method: clinical testing. Allele origin: germline.

Illumina Laboratory Services, Illumina
Classification: Benign for Collagen VI-related myopathy. Last evaluated: 2018-01-12. Review status: criteria provided, single submitter. Criteria: ICSL Variant Classification Criteria 13 December 2019. Collection method: clinical testing. Allele origin: germline.
Comment: This variant was observed in the ICSL laboratory as part of a predisposition screen in an ostensibly healthy population. It had not been previously curated by ICSL or reported in the Human Gene Mutation Database (HGMD: prior to June 1st, 2018), and was therefore a candidate for classification through an automated scoring system. Utilizing variant allele frequency, disease prevalence and penetrance estimates, and inheritance mode, an automated score was calculated to assess if this variant is too frequent to cause the disease. Based on the score and internal cut-off values, a variant classified as benign is not then subjected to further curation. The score for this variant resulted in a classification of benign for this disease.

GeneDx
Classification: Uncertain significance. Last evaluated: 2017-05-25. Review status: criteria provided, single submitter. Criteria: GeneDx Variant Classification (06012015). Collection method: clinical testing. Allele origin: germline. Affected: yes.
Comment: The S3073G variant has not been published as a pathogenic variant, nor has it been reported as a benign variant to our knowledge. The S3073G variant is observed in 18/66368 (0.03%) alleles from individuals of European background (Lek et al., 2016; 1000 Genomes Consortium et al., 2015; Exome Variant Server). This variant is a non-conservative amino acid substitution, which is likely to impact secondary protein structure as these residues differ in polarity, charge, size and/or other properties. However, this substitution occurs at a position that is not conserved, and in silico analysis is inconsistent in its predictions as to whether or not the variant is damaging to the protein structure/function.

NM_004369.4(COL6A3):c.9217A>G (p.Ser3073Gly)

Gene: COL6A3 (collagen type VI alpha 3 chain; minus strand). Cytogenetic location: 2q37.3.
Variant type: single nucleotide variant.
Coding change: c.9217A>G on transcript NM_004369.4 (MANE Select); coding-DNA position 9217, A replaced by G.
Protein change: p.Ser3073Gly; replaces serine 3073 with glycine.
Molecular consequence: missense variant.
Genome position (GRCh38, 1-based): chr2:237,334,638, T>C on the plus strand (A>G on the coding strand, the complement: COL6A3 is on the minus strand). VCF-style: chr2-237334638-T-C. GRCh37 (hg19) VCF-style: chr2-238243281-T-C.
Other names: c.7396A>G, p.Ser2466Gly (NM_057166.5); c.8599A>G, p.Ser2867Gly (NM_057167.4); short protein forms S3073G, S2466G, S2867G.
Identifiers: ClinVar variation 430329 (VCV000430329.15), dbSNP rs199680718, ClinGen allele CA2187327.
Genomic context (GRCh38, chr2:237,334,638, plus strand): 5'-TACTCTACATAGAAATCAGGTACCGACTTGTACTGATCATGTACTTACTTGTACTGAAAC[T>C]TCCGTGGTAGGTGGCTCTGACCTGAGACCTCAGGTAGCAGACCACAGCCACATGGTATGT-3'
Protein context (NP_004360.2, residues 3063-3083): RSQVRATYHG[Ser3073Gly]FSTKKSQPPP